The following is an entry in ClinVar:

NM_001035.3(RYR2):c.13574C>A (p.Ser4525Tyr)

Gene: RYR2 (ryanodine receptor 2; plus strand). Cytogenetic location: 1q43.
Variant type: single nucleotide variant.
Coding change: c.13574C>A on transcript NM_001035.3 (MANE Select); coding-DNA position 13574, C replaced by A.
Protein change: p.Ser4525Tyr; replaces serine 4525 with tyrosine.
Molecular consequence: missense variant.
Genome position (GRCh38, 1-based): chr1:237,792,115, C>A. VCF-style: chr1-237792115-C-A. GRCh37 (hg19) VCF-style: chr1-237955415-C-A.
Other names: c.13574C>A (NM_001035.2); short protein forms S4525Y.
Identifiers: ClinVar variation 3069766 (VCV003069766.2), dbSNP rs1573967502, ClinGen allele CA345417274.
Genomic context (GRCh38, chr1:237,792,115, plus strand): 5'-TGGTATCTTAGATGCAGCAAACTGACTCTACTTTAAATGCTTTGAATCAGGTCTCCACTT[C>A]TTCTGTGGTTGAAGGAAAGGAGCTCCCCACGAGAAGTTCAAGTGAAAATGCCAAAGTGAC-3'
Protein context (NP_001026.2, residues 4515-4535): FILLFYKVST[Ser4525Tyr]SVVEGKELPT

ClinVar aggregate classification (germline): Uncertain significance. Review status: criteria provided, multiple submitters, no conflicts (2 of 4 stars). 2 submissions from 2 submitters: Uncertain significance (2). Last evaluated 2025-02-12.

Conditions:
Cardiovascular phenotype. Identifiers: MedGen CN230736.
Catecholaminergic polymorphic ventricular tachycardia (CVPT). Also called: Catecholamine-induced polymorphic ventricular tachycardia. Identifiers: Orphanet 3286, MedGen C5574922, MONDO:0017990.

Submissions (2):

Ambry Genetics
Classification: Uncertain significance for Cardiovascular phenotype. Last evaluated: 2025-02-12. Review status: criteria provided, single submitter. Criteria: Ambry Variant Classification Scheme 2023. Collection method: clinical testing. Allele origin: germline.
Comment: The p.S4525Y variant (also known as c.13574C>A), located in coding exon 94 of the RYR2 gene, results from a C to A substitution at nucleotide position 13574. The serine at codon 4525 is replaced by tyrosine, an amino acid with dissimilar properties. This amino acid position is well conserved in available vertebrate species. In addition, the in silico prediction for this alteration is inconclusive. Based on the available evidence, the clinical significance of this variant remains unclear.

All of Us Research Program, National Institutes of Health
Classification: Uncertain significance for Catecholaminergic polymorphic ventricular tachycardia. Last evaluated: 2023-03-07. Review status: criteria provided, single submitter. Criteria: ACMG Guidelines, 2015. Collection method: clinical testing. Allele origin: germline. Inheritance: Autosomal dominant inheritance. Observed: 1 variant allele, 1 heterozygote.
Comment: This missense variant replaces serine with tyrosine at codon 4525 of the RYR2 protein. Computational prediction is inconclusive regarding the impact of this variant on protein structure and function (internally defined REVEL score threshold 0.5 < inconclusive < 0.7, PMID: 27666373). To our knowledge, functional studies have not been reported for this variant. This variant has not been reported in individuals affected with RYR2-related disorders in the literature. This variant has not been identified in the general population by the Genome Aggregation Database (gnomAD). The available evidence is insufficient to determine the role of this variant in disease conclusively. Therefore, this variant is classified as a Variant of Uncertain Significance.

This study involves interpretation of variants in research participants for the purpose of population health screening. Participant phenotype was not available at the time of variant classification. Additional details can be found in publication PMID: 35346344, PMCID: PMC8962531